The following is an entry in ClinVar:

ClinVar aggregate classification (germline): Conflicting classifications of pathogenicity. Review status: criteria provided, conflicting classifications (1 of 4 stars). 4 submissions from 4 submitters: Uncertain significance (1); Likely benign (2). 1 of the submissions does not count toward it. Last evaluated 2024-12-03.

Conditions:
Diamond-Blackfan anemia 12 (DBA12). Also called: RPL15-Related Diamond-Blackfan Anemia. Identifiers: Orphanet 124, MedGen C3809888, MONDO:0014245, OMIM 615550.
RPL15-related disorder. Also called: RPL15-related condition.

Allele frequency attached by ClinVar (database versions not stated): TOPMed 0.00003; gnomAD exomes 0.00004 and 0.00012; 1000 Genomes Project 0.00060; gnomAD 0.00008 and 0.00004; ExAC 0.00011; 1000 Genomes Project 30x 0.00047.
gnomAD v4.1: 86 of 1,604,060 alleles (0.0054%); highest among the groups gnomAD compares: East Asian, 0.063%; no homozygotes.

Submissions (5):

Labcorp Genetics (formerly Invitae), Labcorp
Classification: Likely benign. Last evaluated: 2024-12-03. Review status: criteria provided, single submitter. Criteria: Invitae Variant Classification Sherloc (09022015). Collection method: clinical testing. Allele origin: germline.

Blueprint Genetics
Classification: Likely benign. Last evaluated: 2024-09-18. Review status: criteria provided, single submitter. Criteria: ACMG Guidelines, 2015. Collection method: clinical testing. Allele origin: germline.

Center for Genomics, Ann and Robert H. Lurie Children's Hospital of Chicago
Classification: Uncertain significance for Diamond-Blackfan anemia 12. Last evaluated: 2021-03-30. Review status: criteria provided, single submitter. Criteria: ACMG Guidelines, 2015. Collection method: clinical testing. Allele origin: germline.
Comment: RPL15 NM_002948 exon 2 c.172+5G>A: This variant has not been reported in the literature but is present in 0.1% (19/18286) of East Asian alleles including 1 homozygote, in the Genome Aggregation Database. Evolutionary conservation and computational predictive tools for this variant are limited or unavailable. This variant is an intronic variant with no predicted change in the amino acid sequence but may have an unknown effect on splicing. Further studies are needed to understand its impact. In summary, data on this variant is insufficient for disease classification. Therefore, the clinical significance of this variant is uncertain.

PreventionGenetics, part of Exact Sciences
Classification: Likely benign for RPL15-related condition. Last evaluated: 2024-07-15. Review status: no assertion criteria provided. Collection method: clinical testing. Allele origin: germline. Not counted in ClinVar's aggregate classification.
Comment: This variant is classified as likely benign based on ACMG/AMP sequence variant interpretation guidelines (Richards et al. 2015 PMID: 25741868, with internal and published modifications).

Dr. Peter K. Rogan Lab, Western University
No classification provided (evidence only). Condition: Cervical cancer. Review status: no classification provided. Collection method: in vitro. Allele origin: not applicable. Functional consequence: skipped exon, retained intron. Not counted in ClinVar's aggregate classification.

NM_002948.5(RPL15):c.172+5G>A

Genes: NKIRAS1 (NFKB inhibitor interacting Ras like 1; minus strand), RPL15 (ribosomal protein L15; plus strand). Cytogenetic location: 3p24.2.
Variant type: single nucleotide variant.
Coding change: c.172+5G>A on transcript NM_002948.5 (MANE Select); 5 bases into the intron after coding-DNA position 172, G replaced by A.
Molecular consequence: intron variant.
Genome position (GRCh38, 1-based): chr3:23,918,036, G>A. VCF-style: chr3-23918036-G-A. GRCh37 (hg19) VCF-style: chr3-23959527-G-A.
Other names: c.-139-6586C>T (NM_001377380.1); c.172+5G>A (NM_001253384.2, NM_001253379.2, NM_001253380.2 and 2 more transcripts).
Identifiers: ClinVar variation 626158 (VCV000626158.12), dbSNP rs369956511, ClinGen allele CA2286439.
Genomic context (GRCh38, chr3:23,918,036, plus strand): 5'-TCCCCGCCCCACCCGGCCTGATAAAGCGCGCCGACTGGGCTACAAGGCCAAGCAAGGTAC[G>A]TGATCGACTGCGTGGATGCTTGGATAAAATTATATTCGAGAAAAGTTGGAAACCAGCTGT-3'